The following is an entry in ClinVar:

ClinVar aggregate classification (germline): Likely benign. Review status: criteria provided, multiple submitters, no conflicts (2 of 4 stars). 2 submissions from 2 submitters: Likely benign (2). Last evaluated 2026-05-16.

Conditions:
EEF1A2-related disorder. Also called: EEF1A2-related disorders; EEF1A2-related condition.
Developmental and epileptic encephalopathy, 33 (DEE33). Also called: Epileptic encephalopathy, early infantile, 33. Identifiers: Orphanet 442835, MedGen C4225337, MONDO:0014625, OMIM 616409.

Allele frequency attached by ClinVar (database versions not stated): gnomAD exomes below 0.00001; TOPMed below 0.00001; gnomAD 0.00001.
gnomAD v4.1: 6 of 1,612,680 alleles (0.00037%); highest among the groups gnomAD compares: Non-Finnish European, 0.00051%; no homozygotes.

Submissions (2):

PreventionGenetics, part of Exact Sciences
Classification: Likely benign for EEF1A2-related condition. Last evaluated: 2026-05-16. Review status: criteria provided, single submitter. Criteria: ACMG Guidelines, 2015. Collection method: clinical testing. Allele origin: germline.
Comment: This variant is classified as likely benign based on ACMG/AMP sequence variant interpretation guidelines (Richards et al. 2015 PMID: 25741868, with internal and published modifications).

Labcorp Genetics (formerly Invitae), Labcorp
Classification: Likely benign for Developmental and epileptic encephalopathy, 33. Last evaluated: 2023-04-19. Review status: criteria provided, single submitter. Criteria: Invitae Variant Classification Sherloc (09022015). Collection method: clinical testing. Allele origin: germline.

NM_001958.5(EEF1A2):c.895C>T (p.Leu299=)

Gene: EEF1A2 (eukaryotic translation elongation factor 1 alpha 2; minus strand). Cytogenetic location: 20q13.33.
Variant type: single nucleotide variant.
Coding change: c.895C>T on transcript NM_001958.5 (MANE Select); coding-DNA position 895, C replaced by T.
Protein change: p.Leu299=; no amino-acid change (leucine 299 retained).
Molecular consequence: synonymous variant.
Genome position (GRCh38, 1-based): chr20:63,490,613, G>A on the plus strand (C>T on the coding strand, the complement: EEF1A2 is on the minus strand). VCF-style: chr20-63490613-G-A. GRCh37 (hg19) VCF-style: chr20-62121966-G-A.
Identifiers: ClinVar variation 757306 (VCV000757306.10), dbSNP rs1309447992, ClinGen allele CA511204493.